The following is an entry in ClinVar:

ClinVar aggregate classification (germline): Uncertain significance (1 of 4 stars; one submission).

Conditions:
Inborn genetic diseases. Identifiers: MedGen C0950123, MeSH D030342.

Submission:

Ambry Genetics
Classification: Uncertain significance for Inborn genetic diseases. Last evaluated: 2025-03-30. Review status: criteria provided, single submitter. Criteria: Ambry Variant Classification Scheme 2023. Collection method: clinical testing. Allele origin: germline.
Comment: The p.G1114D variant (also known as c.3341G>A), located in coding exon 13 of the ASXL1 gene, results from a G to A substitution at nucleotide position 3341. The glycine at codon 1114 is replaced by aspartic acid, an amino acid with similar properties. This amino acid position is conserved. In addition, the in silico prediction for this alteration is inconclusive. Based on the available evidence, the clinical significance of this variant remains unclear.

NM_015338.6(ASXL1):c.3341G>A (p.Gly1114Asp)

Gene: ASXL1 (ASXL transcriptional regulator 1; plus strand). Cytogenetic location: 20q11.21.
Variant type: single nucleotide variant.
Coding change: c.3341G>A on transcript NM_015338.6 (MANE Select); coding-DNA position 3341, G replaced by A.
Protein change: p.Gly1114Asp; replaces glycine 1114 with aspartic acid.
Molecular consequence: missense variant.
Genome position (GRCh38, 1-based): chr20:32,436,053, G>A. VCF-style: chr20-32436053-G-A. GRCh37 (hg19) VCF-style: chr20-31023856-G-A.
Other names: c.3158G>A, p.Gly1053Asp (NM_001363734.1); short protein forms G1053D, G1114D.
Identifiers: ClinVar variation 3955473 (VCV003955473.1).